The following is an entry in ClinVar:

NM_007294.4(BRCA1):c.5261A>C (p.Glu1754Ala)

Gene: BRCA1 (BRCA1 DNA repair associated; minus strand). Cytogenetic location: 17q21.31.
Variant type: single nucleotide variant.
Coding change: c.5261A>C on transcript NM_007294.4 (MANE Select); coding-DNA position 5261, A replaced by C.
Protein change: p.Glu1754Ala; replaces glutamic acid 1754 with alanine.
Molecular consequence: missense variant. On other transcripts: non-coding transcript variant (1).
Genome position (GRCh38, 1-based): chr17:43,057,068, T>G on the plus strand (A>C on the coding strand, the complement: BRCA1 is on the minus strand). VCF-style: chr17-43057068-T-G. GRCh37 (hg19) VCF-style: chr17-41209085-T-G.
Other names: c.5114A>C, p.Glu1705Ala (NM_001407846.1, NM_001407847.1, NM_001407838.1 and 12 more transcripts); c.5255A>C, p.Glu1752Ala (NM_001407861.1, NM_001407629.1, NM_001407630.1 and 14 more transcripts); c.5060A>C, p.Glu1687Ala (NM_001407862.1); c.5057A>C, p.Glu1686Ala (NM_001407863.1); c.5054A>C, p.Glu1685Ala (NM_001407874.1, NM_001407875.1); c.5051A>C, p.Glu1684Ala (NM_001407879.1, NM_001407881.1, NM_001407882.1 and 5 more transcripts); c.5048A>C, p.Glu1683Ala (NM_001407900.1, NM_001407902.1, NM_001407904.1 and 12 more transcripts); c.5045A>C, p.Glu1682Ala (NM_001407915.1, NM_001407916.1, NM_001407917.1 and 1 more transcripts); and 72 more; short protein forms E1707A, E1754A, E650A, E1775A, E1458A, E1600A, E1627A, E1642A.
Identifiers: ClinVar variation 867286 (VCV000867286.3), dbSNP rs2051502100, ClinGen allele CA10591035.
Genomic context (GRCh38, chr17:43,057,068, plus strand): 5'-GTGGTGGGGTGAGATTTTTGTCAACTTGAGGGAGGGAGCTTTACCTTTCTGTCCTGGGAT[T>G]CTCTTGCTCGCTTTGGACCTTGGTGGTTTCTTCCATTGACCACATCTCCTCTGACTTCAA-3'
Protein context (NP_009225.1, residues 1744-1764): RNHQGPKRAR[Glu1754Ala]SQDRKIFRGL

Conditions:
Breast-ovarian cancer, familial, susceptibility to, 1 (BROVCA1). Also called: BRCA1 Hereditary Breast and Ovarian Cancer; OVARIAN CANCER, SUSCEPTIBILITY TO. Identifiers: Orphanet 145, MedGen C2676676, MONDO:0011450, OMIM 604370. Disease mechanism: loss of function.

Submission:

Brotman Baty Institute, University of Washington
No classification provided (evidence only). Condition: Breast-ovarian cancer, familial 1. Review status: no classification provided. Collection method: in vitro. Allele origin: not applicable. Functional consequence: functionally_normal.
ClinVar note: "not provided" was previously submitted as the classification for the variant. However, the classification appeared to be based only on an observation of functional data so it was converted to no classification on 2025-07-30.